The following is an entry in ClinVar:

NM_000540.3(RYR1):c.14138C>T (p.Pro4713Leu)

Gene: RYR1 (ryanodine receptor 1; plus strand). Cytogenetic location: 19q13.2.
Variant type: single nucleotide variant.
Coding change: c.14138C>T on transcript NM_000540.3 (MANE Select); coding-DNA position 14138, C replaced by T.
Protein change: p.Pro4713Leu; replaces proline 4713 with leucine.
Molecular consequence: missense variant.
Genome position (GRCh38, 1-based): chr19:38,575,927, C>T. VCF-style: chr19-38575927-C-T. GRCh37 (hg19) VCF-style: chr19-39066567-C-T.
Other names: c.14123C>T, p.Pro4708Leu (NM_001042723.2); short protein forms P4708L, P4713L.
Identifiers: ClinVar variation 3382718 (VCV003382718.2).

ClinVar aggregate classification (germline): Uncertain significance (1 of 4 stars; one submission).

Conditions:
Congenital multicore myopathy with external ophthalmoplegia (CMYO1B). Also called: MULTICORE MYOPATHY; Minicore myopathy with external ophthalmoplegia; MULTIMINICORE DISEASE WITH EXTERNAL OPHTHALMOPLEGIA; Congenital myopathy 1B, autosomal recessive; Minicore myopathy. Identifiers: Orphanet 598, Orphanet 98905, MedGen C1850674, MONDO:0009712, OMIM 255320, HP:0003789.
King Denborough syndrome (KDS). Identifiers: MedGen C1840365, MONDO:0020485, OMIM 619542.
Malignant hyperthermia, susceptibility to, 1 (MHS1). Also called: Anesthesia related hyperthermia; Malignant hyperpyrexia; Fulminating hyperpyrexia; Pharmacogenic myopathy; Malignant hyperthermia suceptibility 1; RYR1-Related Malignant Hyperthermia Susceptibility. Identifiers: Orphanet 423, MedGen C2930980, MONDO:0007783, OMIM 145600.
Central core myopathy (CMYO1A). Also called: CONGENITAL MYOPATHY 1A, AUTOSOMAL DOMINANT, WITH SUSCEPTIBILITY TO MALIGNANT HYPERTHERMIA; Central core disease; Myopathy, central fibrillar. Identifiers: Orphanet 597, MedGen C5830701, MONDO:0007294, OMIM 117000.

gnomAD v4.1: 1 of 1,614,186 alleles (0.000062%); highest among the groups gnomAD compares: Middle Eastern, 0.016%; no homozygotes.

Submission:

Juno Genomics, Hangzhou Juno Genomics, Inc
Classification: Uncertain significance for Central core myopathy; King Denborough syndrome; Congenital multicore myopathy with external ophthalmoplegia; Malignant hyperthermia, susceptibility to, 1. Review status: criteria provided, single submitter. Criteria: ACMG Guidelines, 2015. Collection method: clinical testing. Allele origin: germline. Affected: yes.
Comment: Absent from controls (or at extremely low frequency if recessive) in Genome Aggregation Database, Exome Sequencing Project, 1000 Genomes Project, or Exome Aggregation Consortium.;Multiple lines of computational evidence support a deleterious effect on the gene or gene product (conservation, evolutionary, splicing impact, etc).;Patient's phenotype or family history is highly specific for a disease with a single genetic etiology.